The following is an entry in ClinVar:

NM_001379286.1(ZNF423):c.3328G>A (p.Gly1110Arg)

Gene: ZNF423 (zinc finger protein 423; minus strand). Cytogenetic location: 16q12.1.
Variant type: single nucleotide variant.
Coding change: c.3328G>A on transcript NM_001379286.1 (MANE Select); coding-DNA position 3328, G replaced by A.
Protein change: p.Gly1110Arg; replaces glycine 1110 with arginine.
Molecular consequence: missense variant.
Genome position (GRCh38, 1-based): chr16:49,635,848, C>T on the plus strand (G>A on the coding strand, the complement: ZNF423 is on the minus strand). VCF-style: chr16-49635848-C-T. GRCh37 (hg19) VCF-style: chr16-49669759-C-T.
Other names: c.3124G>A, p.Gly1042Arg (NM_001271620.2); c.2953G>A, p.Gly985Arg (NM_001330533.2); c.3304G>A, p.Gly1102Arg (NM_015069.5); short protein forms G1110R, G1102R, G1042R, G985R.
Identifiers: ClinVar variation 4208690 (VCV004208690.2).

ClinVar aggregate classification (germline): Uncertain significance. Review status: criteria provided, multiple submitters, no conflicts (2 of 4 stars). 2 submissions from 2 submitters: Uncertain significance (2). Last evaluated 2025-12-08.

Conditions:
Nephronophthisis 14 (NPHP14). Identifiers: Orphanet 2318, MedGen C3539071, MONDO:0013916, OMIM 614844.

gnomAD v4.1: 9 of 1,599,070 alleles (0.00056%); highest among the groups gnomAD compares: East Asian, 0.0022%; no homozygotes.

Submissions (2):

Labcorp Genetics (formerly Invitae), Labcorp
Classification: Uncertain significance for Nephronophthisis 14. Last evaluated: 2025-12-08. Review status: criteria provided, single submitter. Criteria: Invitae Variant Classification Sherloc (09022015). Collection method: clinical testing. Allele origin: germline.
Comment: This sequence change replaces glycine, which is neutral and non-polar, with arginine, which is basic and polar, at codon 1102 of the ZNF423 protein (p.Gly1102Arg). This variant is present in population databases (rs552943301, gnomAD 0.001%). This variant has not been reported in the literature in individuals affected with ZNF423-related conditions. ClinVar contains an entry for this variant (Variation ID: 4208690). Invitae Evidence Modeling of protein sequence and biophysical properties (such as structural, functional, and spatial information, amino acid conservation, physicochemical variation, residue mobility, and thermodynamic stability) indicates that this missense variant is not expected to disrupt ZNF423 protein function with a negative predictive value of 80%. In summary, the available evidence is currently insufficient to determine the role of this variant in disease. Therefore, it has been classified as a Variant of Uncertain Significance.

Ambry Genetics
Classification: Uncertain significance. Last evaluated: 2025-09-10. Review status: criteria provided, single submitter. Criteria: Ambry Variant Classification Scheme 2023. Collection method: clinical testing. Allele origin: germline.